The following is an entry in ClinVar:

ClinVar aggregate classification (germline): Uncertain significance (1 of 4 stars; one submission).

Allele frequency attached by ClinVar (database versions not stated): gnomAD exomes below 0.00001; gnomAD 0.00001.
gnomAD v4.1: 5 of 1,574,756 alleles (0.00032%); highest among the groups gnomAD compares: Admixed American, 0.0017%; no homozygotes.

Submission:

Labcorp Genetics (formerly Invitae), Labcorp
Classification: Uncertain significance. Last evaluated: 2022-07-26. Review status: criteria provided, single submitter. Criteria: Invitae Variant Classification Sherloc (09022015). Collection method: clinical testing. Allele origin: germline.
Comment: This sequence change replaces glutamic acid, which is acidic and polar, with lysine, which is basic and polar, at codon 128 of the KIF11 protein (p.Glu128Lys). This variant is not present in population databases (gnomAD no frequency). This variant has not been reported in the literature in individuals affected with KIF11-related conditions. ClinVar contains an entry for this variant (Variation ID: 1362531). Algorithms developed to predict the effect of missense changes on protein structure and function (SIFT, PolyPhen-2, Align-GVGD) all suggest that this variant is likely to be disruptive. In summary, the available evidence is currently insufficient to determine the role of this variant in disease. Therefore, it has been classified as a Variant of Uncertain Significance.

NM_004523.4(KIF11):c.382G>A (p.Glu128Lys)

Gene: KIF11 (kinesin family member 11; plus strand). Cytogenetic location: 10q23.33.
Variant type: single nucleotide variant.
Coding change: c.382G>A on transcript NM_004523.4 (MANE Select); coding-DNA position 382, G replaced by A.
Protein change: p.Glu128Lys; replaces glutamic acid 128 with lysine.
Molecular consequence: missense variant.
Genome position (GRCh38, 1-based): chr10:92,607,232, G>A. VCF-style: chr10-92607232-G-A. GRCh37 (hg19) VCF-style: chr10-94366989-G-A.
Other names: short protein forms E128K.
Identifiers: ClinVar variation 1362531 (VCV001362531.8), dbSNP rs968969233, ClinGen allele CA211494119.
Genomic context (GRCh38, chr10:92,607,232, plus strand): 5'-GGCACTGGAAAAACTTTTACAATGGAAGGTGAAAGGTCACCTAATGAAGAGTATACCTGG[G>A]AAGAGGTATTTATTGTTTATAACATACTTTTATCTCTAATGTGACTGAAATTTAACTGTA-3'
Protein context (NP_004514.2, residues 118-138): ERSPNEEYTW[Glu128Lys]EDPLAGIIPR